The following is an entry in ClinVar:

ClinVar aggregate classification (germline): Uncertain significance (1 of 4 stars; one submission).

Submission:

GeneDx
Classification: Uncertain significance. Last evaluated: 2019-10-01. Review status: criteria provided, single submitter. Criteria: GeneDx Variant Classification Process June 2021. Collection method: clinical testing. Allele origin: germline. Affected: yes.
Comment: Has not been previously published as pathogenic or benign to our knowledge; Not observed in large population cohorts (Lek et al., 2016); In silico analysis, which includes protein predictors and evolutionary conservation, supports a deleterious effect; Although located in a calcium-binding EGF-like domain of the FBN2 gene, it does not affect a cysteine residue within this domain; cysteine substitutions in the calcium-binding EGF-like domains represent the majority of pathogenic missense changes associated with FBN2-related disorders (Collod-Beroud et al., 2003; Frederic et al., 2009)

NM_001999.4(FBN2):c.5147C>G (p.Thr1716Ser)

Gene: FBN2 (fibrillin 2; minus strand). Cytogenetic location: 5q23.3.
Variant type: single nucleotide variant.
Coding change: c.5147C>G on transcript NM_001999.4 (MANE Select); coding-DNA position 5147, C replaced by G.
Protein change: p.Thr1716Ser; replaces threonine 1716 with serine.
Molecular consequence: missense variant.
Genome position (GRCh38, 1-based): chr5:128,310,036, G>C on the plus strand (C>G on the coding strand, the complement: FBN2 is on the minus strand). VCF-style: chr5-128310036-G-C. GRCh37 (hg19) VCF-style: chr5-127645728-G-C.
Other names: short protein forms T1716S.
Identifiers: ClinVar variation 1309052 (VCV001309052.2), dbSNP rs2126843757, ClinGen allele CA360744453.